The following is an entry in ClinVar:

NM_207391.3(RGS9BP):c.663G>A (p.Leu221=)

Gene: RGS9BP (regulator of G protein signaling 9 binding protein; plus strand). Cytogenetic location: 19q13.11.
Variant type: single nucleotide variant.
Coding change: c.663G>A on transcript NM_207391.3 (MANE Select); coding-DNA position 663, G replaced by A.
Protein change: p.Leu221=; no amino-acid change (leucine 221 retained).
Molecular consequence: synonymous variant.
Genome position (GRCh38, 1-based): chr19:32,676,926, G>A. VCF-style: chr19-32676926-G-A. GRCh37 (hg19) VCF-style: chr19-33167832-G-A.
Identifiers: ClinVar variation 2011182 (VCV002011182.4), dbSNP rs2513250414, ClinGen allele CA506994090.

ClinVar aggregate classification (germline): Uncertain significance (1 of 4 stars; one submission).

Allele frequency attached by ClinVar (database versions not stated): gnomAD exomes below 0.00001.

Submission:

Labcorp Genetics (formerly Invitae), Labcorp
Classification: Uncertain significance. Last evaluated: 2022-10-13. Review status: criteria provided, single submitter. Criteria: Invitae Variant Classification Sherloc (09022015). Collection method: clinical testing. Allele origin: germline.
Comment: This sequence change affects codon 221 of the RGS9BP mRNA. It is a 'silent' change, meaning that it does not change the encoded amino acid sequence of the RGS9BP protein. This variant is not present in population databases (gnomAD no frequency). This variant has not been reported in the literature in individuals affected with RGS9BP-related conditions. In summary, the available evidence is currently insufficient to determine the role of this variant in disease. Therefore, it has been classified as a Variant of Uncertain Significance.